The following is an entry in ClinVar:

ClinVar aggregate classification (germline): Uncertain significance (1 of 4 stars; one submission).

Submission:

Labcorp Genetics (formerly Invitae), Labcorp
Classification: Uncertain significance. Last evaluated: 2025-07-07. Review status: criteria provided, single submitter. Criteria: Invitae Variant Classification Sherloc (09022015). Collection method: clinical testing. Allele origin: germline.
Comment: This sequence change replaces glutamine, which is neutral and polar, with leucine, which is neutral and non-polar, at codon 264 of the GPR88 protein (p.Gln264Leu). The frequency data for this variant in the population databases is considered unreliable, as metrics indicate poor data quality at this position in the gnomAD database. This variant has not been reported in the literature in individuals affected with GPR88-related conditions. ClinVar contains an entry for this variant (Variation ID: 3606359). Experimental studies and prediction algorithms are not available or were not evaluated, and the functional significance of this variant is currently unknown. In summary, the available evidence is currently insufficient to determine the role of this variant in disease. Therefore, it has been classified as a Variant of Uncertain Significance.

NM_022049.3(GPR88):c.791A>T (p.Gln264Leu)

Gene: GPR88 (G protein-coupled receptor 88; plus strand). Cytogenetic location: 1p21.2.
Variant type: single nucleotide variant.
Coding change: c.791A>T on transcript NM_022049.3 (MANE Select); coding-DNA position 791, A replaced by T.
Protein change: p.Gln264Leu; replaces glutamine 264 with leucine.
Molecular consequence: missense variant.
Genome position (GRCh38, 1-based): chr1:100,539,757, A>T. VCF-style: chr1-100539757-A-T. GRCh37 (hg19) VCF-style: chr1-101005313-A-T.
Other names: short protein forms Q264L.
Identifiers: ClinVar variation 3606359 (VCV003606359.2).